The following is an entry in ClinVar:

NM_017849.4(TMEM127):c.539dup (p.Ala181fs)

Gene: TMEM127 (transmembrane protein 127; minus strand). Cytogenetic location: 2q11.2.
Variant type: Duplication.
Coding change: c.539dup on transcript NM_017849.4 (MANE Select); coding-DNA position 539, one base duplicated (T; older notation c.539dupT).
Protein change: p.Ala181fs; shifts the reading frame from alanine 181.
Molecular consequence: frameshift variant.
Genome position (GRCh38, 1-based): chr2:96,253,986, A duplicated on the plus strand (T on the coding strand, the reverse complement: TMEM127 is on the minus strand). VCF-style (leftmost placement, unchanged base first): chr2-96253985-C-CA. GRCh37 (hg19) VCF-style: chr2-96919723-C-CA.
Other names: c.539dup, p.Ala181fs (NM_001193304.3); c.287dup, p.Ala97Glyfs (NM_001407282.1, NM_001407283.1); short protein forms A181fs.
Identifiers: ClinVar variation 2032197 (VCV002032197.4), dbSNP rs2467263614, ClinGen allele CA2580068316.

ClinVar aggregate classification (germline): Uncertain significance (1 of 4 stars; one submission).

Conditions:
Hereditary pheochromocytoma and paraganglioma. Also called: Hereditary paragangliomas and pheochromocytomas; Hereditary Paraganglioma-Pheochromocytoma Syndromes; Hereditary pheochromocytoma-paraganglioma. Identifiers: Orphanet 29072, MedGen C4274332, MONDO:0017366.

Submission:

Labcorp Genetics (formerly Invitae), Labcorp
Classification: Uncertain significance for Hereditary pheochromocytoma and paraganglioma. Last evaluated: 2025-12-01. Review status: criteria provided, single submitter. Criteria: Invitae Variant Classification Sherloc (09022015). Collection method: clinical testing. Allele origin: germline.
Comment: This sequence change creates a premature translational stop signal (p.Ala181Glyfs*45) in the TMEM127 gene. While this is not anticipated to result in nonsense mediated decay, it is expected to disrupt the last 58 amino acid(s) of the TMEM127 protein. This variant is not present in population databases (gnomAD no frequency). This variant has not been reported in the literature in individuals affected with TMEM127-related conditions. ClinVar contains an entry for this variant (Variation ID: 2032197). This variant disrupts the C-terminus of the TMEM127 protein. Other variant(s) that disrupt this region (p.Ala186Argfs*44) have been observed in individuals with TMEM127-related conditions (PMID: 28384794). This suggests that this may be a clinically significant region of the protein. In summary, the available evidence is currently insufficient to determine the role of this variant in disease. Therefore, it has been classified as a Variant of Uncertain Significance.

Literature cited by the submitters: PubMed 28384794.